The following is an entry in ClinVar:

ClinVar aggregate classification (germline): Pathogenic (1 of 4 stars; one submission).

Conditions:
Inborn genetic diseases. Identifiers: MedGen C0950123, MeSH D030342.
Ocular cystinosis. Also called: Non-Nephropathic Cystinosis; Non-Nephropathic (Ocular) Cystinosis. Identifiers: Orphanet 213, Orphanet 411641, MedGen C2931013, MONDO:0009064, OMIM 219750.
Juvenile nephropathic cystinosis. Also called: Intermediate Cystinosis; CYSTINOSIS, LATE-ONSET JUVENILE OR ADOLESCENT NEPHROPATHIC TYPE; Later-Onset (Juvenile) Cystinosis. Identifiers: Orphanet 213, Orphanet 411634, MedGen C0268626, MONDO:0009066, OMIM 219900.

Submission:

Labcorp Genetics (formerly Invitae), Labcorp
Classification: Pathogenic for Inborn genetic diseases; Ocular cystinosis; Juvenile nephropathic cystinosis. Last evaluated: 2019-07-19. Review status: criteria provided, single submitter. Criteria: Invitae Variant Classification Sherloc (09022015). Collection method: clinical testing. Allele origin: germline.
Comment: This sequence change affects an acceptor splice site in intron 3 of the CTNS gene. It is expected to disrupt RNA splicing and likely results in an absent or disrupted protein product. This variant is not present in population databases (ExAC no frequency). Algorithms developed to predict the effect of sequence changes on RNA splicing suggest that this variant may disrupt the consensus splice site, but this prediction has not been confirmed by published transcriptional studies. Donor and acceptor splice site variants typically lead to a loss of protein function (PMID: 16199547), and loss-of-function variants in CTNS are known to be pathogenic (PMID: 9537412, 27102039). For these reasons, this variant has been classified as Pathogenic.

Literature cited by the submitters: PubMed 16199547; PubMed 9537412; PubMed 27102039.

NM_004937.3(CTNS):c.62-1G>T

Gene: CTNS (cystinosin, lysosomal cystine transporter; plus strand). Cytogenetic location: 17p13.2.
Variant type: single nucleotide variant.
Coding change: c.62-1G>T on transcript NM_004937.3 (MANE Select); the canonical splice acceptor site of the intron before coding-DNA position 62, G replaced by T.
Molecular consequence: splice acceptor variant. On other transcripts: intron variant (1).
Genome position (GRCh38, 1-based): chr17:3,647,443, G>T. VCF-style: chr17-3647443-G-T. GRCh37 (hg19) VCF-style: chr17-3550737-G-T.
Other names: c.62-1G>T (NM_001031681.3, NM_001374492.1); c.-295-1G>T (NM_001374493.1, NM_001374496.1); c.-217+7176G>T (NM_001374495.1); c.-380-1G>T (NM_001374494.1).
Identifiers: ClinVar variation 945056 (VCV000945056.12), dbSNP rs1597619719, ClinGen allele CA397686978.